The following is an entry in ClinVar:

ClinVar aggregate classification (germline): Uncertain significance (1 of 4 stars; one submission).

Submission:

Labcorp Genetics (formerly Invitae), Labcorp
Classification: Uncertain significance. Last evaluated: 2022-05-18. Review status: criteria provided, single submitter. Criteria: Invitae Variant Classification Sherloc (09022015). Collection method: clinical testing. Allele origin: germline.
Comment: In summary, the available evidence is currently insufficient to determine the role of this variant in disease. Therefore, it has been classified as a Variant of Uncertain Significance. Algorithms developed to predict the effect of missense changes on protein structure and function are either unavailable or do not agree on the potential impact of this missense change (SIFT: "Deleterious"; PolyPhen-2: "Possibly Damaging"; Align-GVGD: "Class C0"). This variant has not been reported in the literature in individuals affected with MYO7A-related conditions. This variant is not present in population databases (gnomAD no frequency). This sequence change replaces tryptophan, which is neutral and slightly polar, with arginine, which is basic and polar, at codon 719 of the MYO7A protein (p.Trp719Arg).

NM_000260.4(MYO7A):c.2155T>C (p.Trp719Arg)

Gene: MYO7A (myosin VIIA; plus strand). Cytogenetic location: 11q13.5.
Variant type: single nucleotide variant.
Coding change: c.2155T>C on transcript NM_000260.4 (MANE Select); coding-DNA position 2155, T replaced by C.
Protein change: p.Trp719Arg; replaces tryptophan 719 with arginine.
Molecular consequence: missense variant.
Genome position (GRCh38, 1-based): chr11:77,175,432, T>C. VCF-style: chr11-77175432-T-C. GRCh37 (hg19) VCF-style: chr11-76886478-T-C.
Other names: c.2155T>C, p.Trp719Arg (NM_001127180.2); c.2122T>C, p.Trp708Arg (NM_001369365.1); short protein forms W708R, W719R.
Identifiers: ClinVar variation 1967483 (VCV001967483.5), dbSNP rs2497090274, ClinGen allele CA381939715.